The following is an entry in ClinVar:

ClinVar aggregate classification (germline): Uncertain significance (1 of 4 stars; one submission).

Conditions:
Hereditary nonpolyposis colorectal neoplasms. Identifiers: MedGen C0009405, MeSH D003123.

gnomAD v4.1: 3 of 1,613,936 alleles (0.00019%); highest among the groups gnomAD compares: Non-Finnish European, 0.00025%; no homozygotes.

Submission:

Labcorp Genetics (formerly Invitae), Labcorp
Classification: Uncertain significance for Hereditary nonpolyposis colorectal neoplasms. Last evaluated: 2021-12-05. Review status: criteria provided, single submitter. Criteria: Invitae Variant Classification Sherloc (09022015). Collection method: clinical testing. Allele origin: germline.
Comment: This sequence change replaces alanine, which is neutral and non-polar, with aspartic acid, which is acidic and polar, at codon 1293 of the MSH6 protein (p.Ala1293Asp). This variant is not present in population databases (gnomAD no frequency). This variant has not been reported in the literature in individuals affected with MSH6-related conditions. Advanced modeling of protein sequence and biophysical properties (such as structural, functional, and spatial information, amino acid conservation, physicochemical variation, residue mobility, and thermodynamic stability) performed at Invitae indicates that this missense variant is expected to disrupt MSH6 protein function. In summary, the available evidence is currently insufficient to determine the role of this variant in disease. Therefore, it has been classified as a Variant of Uncertain Significance.

NM_000179.3(MSH6):c.3878C>A (p.Ala1293Asp)

Gene: MSH6 (mutS homolog 6; plus strand). Cytogenetic location: 2p16.3.
Variant type: single nucleotide variant.
Coding change: c.3878C>A on transcript NM_000179.3 (MANE Select); coding-DNA position 3878, C replaced by A.
Protein change: p.Ala1293Asp; replaces alanine 1293 with aspartic acid.
Molecular consequence: missense variant.
Genome position (GRCh38, 1-based): chr2:47,806,528, C>A. VCF-style: chr2-47806528-C-A. GRCh37 (hg19) VCF-style: chr2-48033667-C-A.
Other names: c.3488C>A, p.Ala1163Asp (NM_001281492.2); c.2972C>A, p.Ala991Asp (NM_001281493.2, NM_001281494.2); short protein forms A1163D, A1293D, A991D.
Identifiers: ClinVar variation 1402229 (VCV001402229.6), dbSNP rs764835191, ClinGen allele CA346761372.